The following is an entry in ClinVar:

NM_198428.3(BBS9):c.263+4A>G

Gene: BBS9 (Bardet-Biedl syndrome 9; plus strand). Cytogenetic location: 7p14.3.
Variant type: single nucleotide variant.
Coding change: c.263+4A>G on transcript NM_198428.3 (MANE Select); 4 bases into the intron after coding-DNA position 263, A replaced by G.
Molecular consequence: intron variant. On other transcripts: 5 prime UTR variant (2).
Genome position (GRCh38, 1-based): chr7:33,152,855, A>G. VCF-style: chr7-33152855-A-G. GRCh37 (hg19) VCF-style: chr7-33192467-A-G.
Other names: c.-11A>G (NM_001348038.3, NM_001348039.3); c.263+4A>G (NM_001348036.1, NM_001362679.1, NM_001348041.4 and 5 more transcripts); c.-39+4A>G (NM_001348037.3, NM_001348045.3); c.128+4A>G (NM_001348042.3); c.-39+22814A>G (NM_001348046.3, NM_001348044.3).
Identifiers: ClinVar variation 585195 (VCV000585195.8), dbSNP rs370916293, ClinGen allele CA4213910.

ClinVar aggregate classification (germline): Conflicting classifications of pathogenicity. Review status: criteria provided, conflicting classifications (1 of 4 stars). 3 submissions from 3 submitters: Likely pathogenic (1); Uncertain significance (1). 1 of the submissions does not count toward it. Last evaluated 2022-12-05.

Conditions:
BBS9-related disorder. Also called: BBS9-related condition.
Bardet-Biedl syndrome (BBS). Identifiers: Orphanet 110, MedGen C0752166, MONDO:0015229.

Allele frequency attached by ClinVar (database versions not stated): gnomAD exomes below 0.00001; ExAC 0.00001.
gnomAD v4.1: 3 of 1,613,920 alleles (0.00019%); no homozygotes.

Submissions (4):

Blueprint Genetics
Classification: Likely pathogenic for BBS9-related disorders. Last evaluated: 2022-12-05. Review status: criteria provided, single submitter. Criteria: ACMG Guidelines, 2015. Collection method: clinical testing. Allele origin: germline. Affected: yes. Observed: 4 variant alleles.

Labcorp Genetics (formerly Invitae), Labcorp
Classification: Uncertain significance for Bardet-Biedl syndrome. Last evaluated: 2022-11-01. Review status: criteria provided, single submitter. Criteria: Invitae Variant Classification Sherloc (09022015). Collection method: clinical testing. Allele origin: germline.
Comment: This variant has been observed in individuals with clinical features of Bardet-Biedl syndrome (PMID: 30614526; Invitae). This variant is present in population databases (rs370916293, gnomAD 0.0009%). ClinVar contains an entry for this variant (Variation ID: 585195). Variants that disrupt the consensus splice site are a relatively common cause of aberrant splicing (PMID: 17576681, 9536098). Algorithms developed to predict the effect of sequence changes on RNA splicing suggest that this variant may disrupt the consensus splice site. In summary, the available evidence is currently insufficient to determine the role of this variant in disease. Therefore, it has been classified as a Variant of Uncertain Significance. This sequence change falls in intron 3 of the BBS9 gene. It does not directly change the encoded amino acid sequence of the BBS9 protein. It affects a nucleotide within the consensus splice site.

Laboratory of Medical Genetics (UMR_S 1112), INSERM/Strasbourg University
Classification: Pathogenic for Bardet-Biedl syndrome. Last evaluated: 2018-09-15. Review status: no assertion criteria provided. Collection method: provider interpretation. Allele origin: germline. Affected: yes. Study: French fetal BBS cohort. Not counted in ClinVar's aggregate classification.

Dr. Peter K. Rogan Lab, Western University
No classification provided (evidence only). Condition: Lymphoma. Review status: no classification provided. Collection method: in vitro. Allele origin: not applicable. Functional consequence: retained intron. Not counted in ClinVar's aggregate classification.

Literature cited by the submitters: PubMed 30614526 (cited by Labcorp Genetics (formerly Invitae), Labcorp and Laboratory of Medical Genetics (UMR_S 1112), INSERM/Strasbourg University); PubMed 17576681 (cited by Labcorp Genetics (formerly Invitae), Labcorp); PubMed 9536098 (cited by Labcorp Genetics (formerly Invitae), Labcorp).